The following is an entry in ClinVar:

ClinVar aggregate classification (germline): Uncertain significance (1 of 4 stars; one submission).

Submission:

Labcorp Genetics (formerly Invitae), Labcorp
Classification: Uncertain significance. Last evaluated: 2023-05-18. Review status: criteria provided, single submitter. Criteria: Invitae Variant Classification Sherloc (09022015). Collection method: clinical testing. Allele origin: germline.
Comment: In summary, the available evidence is currently insufficient to determine the role of this variant in disease. Therefore, it has been classified as a Variant of Uncertain Significance. Variants that disrupt the consensus splice site are a relatively common cause of aberrant splicing (PMID: 17576681, 9536098). Algorithms developed to predict the effect of sequence changes on RNA splicing suggest that this variant may disrupt the consensus splice site. This variant has not been reported in the literature in individuals affected with POLE-related conditions. This variant is not present in population databases (gnomAD no frequency). This sequence change affects codon 1937 of the POLE mRNA. It is a 'silent' change, meaning that it does not change the encoded amino acid sequence of the POLE protein. This variant also falls at the last nucleotide of exon 42, which is part of the consensus splice site for this exon.

Literature cited by the submitters: PubMed 17576681; PubMed 9536098.

NM_006231.4(POLE):c.5811G>C (p.Leu1937=)

Gene: POLE (DNA polymerase epsilon, catalytic subunit; minus strand). Cytogenetic location: 12q24.33.
Variant type: single nucleotide variant.
Coding change: c.5811G>C on transcript NM_006231.4 (MANE Select); coding-DNA position 5811, G replaced by C.
Protein change: p.Leu1937=; no amino-acid change (leucine 1937 retained).
Molecular consequence: synonymous variant.
Genome position (GRCh38, 1-based): chr12:132,635,892, C>G on the plus strand (G>C on the coding strand, the complement: POLE is on the minus strand). VCF-style: chr12-132635892-C-G. GRCh37 (hg19) VCF-style: chr12-133212478-C-G.
Identifiers: ClinVar variation 2865459 (VCV002865459.3), dbSNP rs368174082, ClinGen allele CA482726064.
Genomic context (GRCh38, chr12:132,635,892, plus strand): 5'-GCTGCAGGAATGAACGCGACCCCCAAAGCTGGCTCGGGTGCCACACTGCAGCTCGCTTAC[C>G]AGTCCACAGTGAATACGAGATGAAACTTTTCCTTTGATTCCGCCATAGTTAGATGGATCC-3'
Protein context (NP_006222.2, residues 1927-1947): GKVSSRIHCG[Leu1937=]QDSQKAGGAE